The following is an entry in ClinVar:

NM_001621.5(AHR):c.1825T>C (p.Ser609Pro)

Gene: AHR (aryl hydrocarbon receptor; plus strand). Cytogenetic location: 7p21.1.
Variant type: single nucleotide variant.
Coding change: c.1825T>C on transcript NM_001621.5 (MANE Select); coding-DNA position 1825, T replaced by C.
Protein change: p.Ser609Pro; replaces serine 609 with proline.
Molecular consequence: missense variant.
Genome position (GRCh38, 1-based): chr7:17,339,650, T>C. VCF-style: chr7-17339650-T-C. GRCh37 (hg19) VCF-style: chr7-17379274-T-C.
Other names: c.1825T>C (NM_001621.4); short protein forms S609P.
Identifiers: ClinVar variation 1013895 (VCV001013895.9), dbSNP rs771303532, ClinGen allele CA4172190.
Genomic context (GRCh38, chr7:17,339,650, plus strand): 5'-TTAAGTAAGTCTCCCTTCATACCTTCAGATTATCAACAGCAACAGTCCTTGGCTCTGAAC[T>C]CAAGCTGTATGGTACAGGAACACCTACATCTAGAACAGCAACAGCAACATCACCAAAAGC-3'
Protein context (NP_001612.1, residues 599-619): YQQQQSLALN[Ser609Pro]SCMVQEHLHL

ClinVar aggregate classification (germline): Uncertain significance. Review status: criteria provided, multiple submitters, no conflicts (2 of 4 stars). 2 submissions from 2 submitters: Uncertain significance (2). Last evaluated 2024-10-29.

Allele frequency attached by ClinVar (database versions not stated): gnomAD 0.00001; gnomAD exomes 0.00001 and 0.00002; TOPMed 0.00001; ExAC 0.00002.
gnomAD v4.1: 33 of 1,613,992 alleles (0.002%); highest among the groups gnomAD compares: Non-Finnish European, 0.0028%; no homozygotes.

Submissions (2):

Labcorp Genetics (formerly Invitae), Labcorp
Classification: Uncertain significance. Last evaluated: 2024-10-29. Review status: criteria provided, single submitter. Criteria: Invitae Variant Classification Sherloc (09022015). Collection method: clinical testing. Allele origin: germline.
Comment: This sequence change replaces serine, which is neutral and polar, with proline, which is neutral and non-polar, at codon 609 of the AHR protein (p.Ser609Pro). This variant is present in population databases (rs771303532, gnomAD 0.007%). This variant has not been reported in the literature in individuals affected with AHR-related conditions. ClinVar contains an entry for this variant (Variation ID: 1013895). An algorithm developed to predict the effect of missense changes on protein structure and function outputs the following: PolyPhen-2: "Benign". The proline amino acid residue is found in multiple mammalian species, which suggests that this missense change does not adversely affect protein function. In summary, the available evidence is currently insufficient to determine the role of this variant in disease. Therefore, it has been classified as a Variant of Uncertain Significance.

Ambry Genetics
Classification: Uncertain significance. Last evaluated: 2024-04-12. Review status: criteria provided, single submitter. Criteria: Ambry Variant Classification Scheme 2023. Collection method: clinical testing. Allele origin: germline.